The following is an entry in ClinVar:

ClinVar aggregate classification (germline): Uncertain significance. Review status: criteria provided, multiple submitters, no conflicts (2 of 4 stars). 2 submissions from 2 submitters: Uncertain significance (2). Last evaluated 2023-05-25.

Conditions:
Nephrolithiasis/nephrocalcinosis. Identifiers: MedGen CN580796.
Familial hypocalciuric hypercalcemia (FHH). Also called: Familial benign hypercalcemia. Identifiers: Orphanet 405, MedGen C1809471, MONDO:0018458.
Autosomal dominant hypocalcemia 1 (HYPOC1). Also called: HYPOCALCEMIA, FAMILIAL. Identifiers: MedGen C3715128, MONDO:0011013, OMIM 601198.

Allele frequency attached by ClinVar (database versions not stated): gnomAD 0.00001; gnomAD exomes 0.00001.
gnomAD v4.1: 11 of 1,614,076 alleles (0.00068%); highest among the groups gnomAD compares: Non-Finnish European, 0.00085%; no homozygotes.

Submissions (2):

Labcorp Genetics (formerly Invitae), Labcorp
Classification: Uncertain significance for Familial hypocalciuric hypercalcemia; Autosomal dominant hypocalcemia 1. Last evaluated: 2023-05-25. Review status: criteria provided, single submitter. Criteria: Invitae Variant Classification Sherloc (09022015). Collection method: clinical testing. Allele origin: germline.
Comment: In summary, the available evidence is currently insufficient to determine the role of this variant in disease. Therefore, it has been classified as a Variant of Uncertain Significance. Algorithms developed to predict the effect of missense changes on protein structure and function output the following: SIFT: "Not Available"; PolyPhen-2: "Benign"; Align-GVGD: "Not Available". The asparagine amino acid residue is found in multiple mammalian species, which suggests that this missense change does not adversely affect protein function. ClinVar contains an entry for this variant (Variation ID: 1728467). This variant has not been reported in the literature in individuals affected with CASR-related conditions. This variant is not present in population databases (gnomAD no frequency). This sequence change replaces serine, which is neutral and polar, with asparagine, which is neutral and polar, at codon 1058 of the CASR protein (p.Ser1058Asn).

Ambry Genetics
Classification: Uncertain significance for Nephrolithiasis/nephrocalcinosis. Last evaluated: 2020-09-18. Review status: criteria provided, single submitter. Criteria: Ambry Variant Classification Scheme 2023. Collection method: clinical testing. Allele origin: germline.
Comment: The p.S1058N variant (also known as c.3173G>A), located in coding exon 6 of the CASR gene, results from a G to A substitution at nucleotide position 3173. The serine at codon 1058 is replaced by asparagine, an amino acid with highly similar properties. This amino acid position is poorly conserved in available vertebrate species. In addition, this alteration is predicted to be tolerated by in silico analysis. Since supporting evidence is limited at this time, the clinical significance of this alteration remains unclear.

NM_000388.4(CASR):c.3173G>A (p.Ser1058Asn)

Gene: CASR (calcium sensing receptor; plus strand). Cytogenetic location: 3q21.1.
Variant type: single nucleotide variant.
Coding change: c.3173G>A on transcript NM_000388.4 (MANE Select); coding-DNA position 3173, G replaced by A.
Protein change: p.Ser1058Asn; replaces serine 1058 with asparagine.
Molecular consequence: missense variant.
Genome position (GRCh38, 1-based): chr3:122,285,127, G>A. VCF-style: chr3-122285127-G-A. GRCh37 (hg19) VCF-style: chr3-122003974-G-A.
Other names: c.3203G>A, p.Ser1068Asn (NM_001178065.2); short protein forms S1058N, S1068N.
Identifiers: ClinVar variation 1728467 (VCV001728467.7), dbSNP rs2074954945, ClinGen allele CA354161690.